The following is an entry in ClinVar:

NM_000465.4(BARD1):c.1335del (p.Glu445fs)

Gene: BARD1 (BRCA1 associated RING domain 1; minus strand). Cytogenetic location: 2q35.
Variant type: Deletion.
Coding change: c.1335del on transcript NM_000465.4 (MANE Select); coding-DNA position 1335, one base deleted (A; older notation c.1335delA).
Protein change: p.Glu445fs; shifts the reading frame from glutamic acid 445.
Molecular consequence: frameshift variant. On other transcripts: non-coding transcript variant (3), intron variant (3).
Genome position (GRCh38, 1-based): chr2:214,769,292, T deleted on the plus strand (A on the coding strand, the reverse complement: BARD1 is on the minus strand); the first of 2 consecutive T bases (chr2:214,769,292-214,769,293); deleting either gives the same sequence. VCF-style (leftmost placement, unchanged base first): chr2-214769291-AT-A. GRCh37 (hg19) VCF-style: chr2-215634015-AT-A.
Other names: c.1278del, p.Glu426fs (NM_001282543.2); c.159-16737del (NM_001282548.2); c.216-16737del (NM_001282545.2); c.364+23005del (NM_001282549.2); short protein forms E426fs, E445fs.
Identifiers: ClinVar variation 2565196 (VCV002565196.2), dbSNP rs2469454617, ClinGen allele CA2580616682.

ClinVar aggregate classification (germline): Pathogenic (1 of 4 stars; one submission).

Conditions:
Hereditary cancer-predisposing syndrome. Also called: Neoplastic Syndromes, Hereditary; Hereditary Cancer Syndrome; Hereditary neoplastic syndrome; Tumor predisposition. Identifiers: Orphanet 140162, MedGen C0027672, MeSH D009386, MONDO:0015356.

Submission:

Ambry Genetics
Classification: Pathogenic for Hereditary cancer-predisposing syndrome. Last evaluated: 2023-03-26. Review status: criteria provided, single submitter. Criteria: Ambry Variant Classification Scheme 2023. Collection method: clinical testing. Allele origin: germline.
Comment: The c.1335delA pathogenic mutation, located in coding exon 5 of the BARD1 gene, results from a deletion of one nucleotide at nucleotide position 1335, causing a translational frameshift with a predicted alternate stop codon (p.E445Dfs*30). This variant is considered to be rare based on population cohorts in the Genome Aggregation Database (gnomAD). This alteration is expected to result in loss of function by premature protein truncation or nonsense-mediated mRNA decay. As such, this alteration is interpreted as a disease-causing mutation.